The following is an entry in ClinVar:

ClinVar aggregate classification (germline): Conflicting classifications of pathogenicity. Review status: criteria provided, conflicting classifications (1 of 4 stars). 4 submissions from 4 submitters: Uncertain significance (1); Benign (1); Likely benign (2). Last evaluated 2026-01-26.

Conditions:
Primary ciliary dyskinesia. Also called: Ciliary dyskinesia. Identifiers: Orphanet 244, MedGen C0008780, MONDO:0016575, HP:0012265.

Allele frequency attached by ClinVar (database versions not stated): gnomAD 0.00229 and 0.00237; ESP Exome Variant Server 0.00238; gnomAD exomes 0.00023 and 0.00058; ExAC 0.00077; TOPMed 0.00255; 1000 Genomes Project 30x 0.00375; 1000 Genomes Project 0.00379.
gnomAD v4.1: 708 of 1,614,190 alleles (0.044%); highest among the groups gnomAD compares: African/African-American, 0.81%; 2 homozygotes.

Submissions (4):

Labcorp Genetics (formerly Invitae), Labcorp
Classification: Likely benign for Primary ciliary dyskinesia. Last evaluated: 2026-01-26. Review status: criteria provided, single submitter. Criteria: Invitae Variant Classification Sherloc (09022015). Collection method: clinical testing. Allele origin: germline.

Ambry Genetics
Classification: Benign for Primary ciliary dyskinesia. Last evaluated: 2025-09-04. Review status: criteria provided, single submitter. Criteria: Ambry Variant Classification Scheme 2023. Collection method: clinical testing. Allele origin: germline.

GeneDx
Classification: Uncertain significance. Last evaluated: 2022-03-07. Review status: criteria provided, single submitter. Criteria: GeneDx Variant Classification Process June 2021. Collection method: clinical testing. Allele origin: germline. Affected: yes.
Comment: In silico analysis supports that this missense variant has a deleterious effect on protein structure/function; Has not been previously published as pathogenic or benign to our knowledge

PreventionGenetics, part of Exact Sciences
Classification: Likely benign. Review status: criteria provided, single submitter. Criteria: ACMG Guidelines, 2015. Collection method: clinical testing. Allele origin: germline.

NM_178452.6(DNAAF1):c.1718T>C (p.Ile573Thr)

Gene: DNAAF1 (dynein axonemal assembly factor 1; plus strand). Cytogenetic location: 16q24.1.
Variant type: single nucleotide variant.
Coding change: c.1718T>C on transcript NM_178452.6 (MANE Select); coding-DNA position 1718, T replaced by C.
Protein change: p.Ile573Thr; replaces isoleucine 573 with threonine.
Molecular consequence: missense variant.
Genome position (GRCh38, 1-based): chr16:84,175,952, T>C. VCF-style: chr16-84175952-T-C. GRCh37 (hg19) VCF-style: chr16-84209558-T-C.
Other names: c.1010T>C, p.Ile337Thr (NM_001318756.1); short protein forms I573T, I337T.
Identifiers: ClinVar variation 262945 (VCV000262945.24), dbSNP rs137862641, ClinGen allele CA8203017.